The following is an entry in ClinVar:

ClinVar aggregate classification (germline): Uncertain significance. Review status: criteria provided, multiple submitters, no conflicts (2 of 4 stars). 2 submissions from 2 submitters: Uncertain significance (2). Last evaluated 2024-12-24.

Allele frequency attached by ClinVar (database versions not stated): ESP Exome Variant Server 0.00008; gnomAD 0.00009; gnomAD exomes 0.00009; TOPMed 0.00011; ExAC 0.00015.
gnomAD v4.1: 152 of 1,613,138 alleles (0.0094%); highest among the groups gnomAD compares: Middle Eastern, 0.15%; no homozygotes.

Submissions (2):

Women's Health and Genetics/Laboratory Corporation of America, LabCorp
Classification: Uncertain significance. Last evaluated: 2024-12-24. Review status: criteria provided, single submitter. Criteria: LabCorp Variant Classification Summary - May 2015. Collection method: clinical testing. Allele origin: germline.
Comment: Variant summary: CYP2R1 c.1280A>G (p.Asp427Gly) results in a non-conservative amino acid change located in the Cytochrome P450 domain (IPR001128) of the encoded protein sequence. Four of five in-silico tools predict a damaging effect of the variant on protein function. The variant allele was found at a frequency of 0.00013 in 250820 control chromosomes. This frequency is not significantly higher than estimated for a pathogenic variant in CYP2R1 causing Vitamin D Hydroxylation-Deficient Rickets, Type 1B, allowing no conclusion about variant significance. To our knowledge, no occurrence of c.1280A>G in individuals affected with Vitamin D Hydroxylation-Deficient Rickets, Type 1B and no experimental evidence demonstrating its impact on protein function have been reported. ClinVar contains an entry for this variant (Variation ID: 2193872). Based on the evidence outlined above, the variant was classified as uncertain significance.

Labcorp Genetics (formerly Invitae), Labcorp
Classification: Uncertain significance. Last evaluated: 2022-06-22. Review status: criteria provided, single submitter. Criteria: Invitae Variant Classification Sherloc (09022015). Collection method: clinical testing. Allele origin: germline.
Comment: This sequence change replaces aspartic acid, which is acidic and polar, with glycine, which is neutral and non-polar, at codon 427 of the CYP2R1 protein (p.Asp427Gly). This variant is present in population databases (rs201004240, gnomAD 0.2%). This variant has not been reported in the literature in individuals affected with CYP2R1-related conditions. Algorithms developed to predict the effect of missense changes on protein structure and function (SIFT, PolyPhen-2, Align-GVGD) all suggest that this variant is likely to be disruptive. In summary, the available evidence is currently insufficient to determine the role of this variant in disease. Therefore, it has been classified as a Variant of Uncertain Significance.

NM_024514.5(CYP2R1):c.1280A>G (p.Asp427Gly)

Genes: CYP2R1 (cytochrome P450 family 2 subfamily R member 1; minus strand), PDE3B (phosphodiesterase 3B; plus strand). Cytogenetic location: 11p15.2.
Variant type: single nucleotide variant.
Coding change: c.1280A>G on transcript NM_024514.5 (MANE Select); coding-DNA position 1280, A replaced by G.
Protein change: p.Asp427Gly; replaces aspartic acid 427 with glycine.
Molecular consequence: missense variant. On other transcripts: non-coding transcript variant (12).
Genome position (GRCh38, 1-based): chr11:14,879,164, T>C on the plus strand (A>G on the coding strand, the complement: CYP2R1 is on the minus strand). VCF-style: chr11-14879164-T-C. GRCh37 (hg19) VCF-style: chr11-14900710-T-C.
Other names: c.935A>G, p.Asp312Gly (NM_001377214.1, NM_001377215.1, NM_001377216.1 and 5 more transcripts); c.1118A>G, p.Asp373Gly (NM_001377217.1); c.581A>G, p.Asp194Gly (NM_001400562.1, NM_001400563.1, NM_001400564.1 and 1 more transcripts); c.302A>G, p.Asp101Gly (NM_001400566.1); c.1136A>G, p.Asp379Gly (NM_001400567.1); c.1235A>G, p.Asp412Gly (NM_001400568.1); short protein forms D101G, D312G, D373G, D194G, D427G, D379G, D412G.
Identifiers: ClinVar variation 2193872 (VCV002193872.2), dbSNP rs201004240, ClinGen allele CA5896526.